The following is an entry in ClinVar:

ClinVar aggregate classification (germline): Likely pathogenic (1 of 4 stars; one submission).

Conditions:
Peroxisome biogenesis disorder 2B (PBD2B). Identifiers: Orphanet 44, MedGen C3550234, MONDO:0008736, OMIM 202370.
Peroxisome biogenesis disorder 2A (Zellweger) (PBD2A). Also called: Cerebrohepatorenal syndrome, variant types. Identifiers: Orphanet 912, MedGen C3550273, MONDO:0008954, OMIM 214110.

Submission:

Molecular Genetics Department, Kulakov National Medical Research Center for Obstetrics, Gynecology and Perinatology
Classification: Likely pathogenic for Peroxisome biogenesis disorder 2B; Peroxisome biogenesis disorder 2A (Zellweger). Review status: criteria provided, single submitter. Criteria: ACMG Guidelines, 2015. Collection method: clinical testing. Allele origin: germline. Affected: yes. Observed: 1 variant allele.
Comment: A previously undescribed heterozygous nucleotide variant creates an alteration of the canonical splice site c.1182-1G>C in the PEX5 gene. Homozygous and compound heterozygous variants are reported in patients with peroxisome biogenesis disorder 2A (Zellweger), 214110; Peroxisome biogenesis disorder 2B, 202370. The variant is not present in population database (gnomAD no frequency). In summary, the currently available evidence indicates that the variant is pathogenic, but additional data are needed to prove that conclusively. Therefore, this variant has been classified as likely pathogenic.

NM_001351132.2(PEX5):c.1182-1G>C

Gene: PEX5 (peroxisomal biogenesis factor 5; plus strand). Cytogenetic location: 12p13.31.
Variant type: single nucleotide variant.
Coding change: c.1182-1G>C on transcript NM_001351132.2 (MANE Select); the canonical splice acceptor site of the intron before coding-DNA position 1182, G replaced by C.
Molecular consequence: splice acceptor variant.
Genome position (GRCh38, 1-based): chr12:7,208,456, G>C. VCF-style: chr12-7208456-G-C. GRCh37 (hg19) VCF-style: chr12-7361052-G-C.
Other names: c.1071-1G>C (NM_001351124.3, NM_001351126.2, NM_001374646.1 and 7 more transcripts); c.1182-1G>C (NM_001131026.2, NM_001351131.2, NM_001374647.2 and 4 more transcripts); c.1047-1G>C (NM_001374649.2, NM_001351140.2, NM_001351139.2); c.1116-1G>C (NM_001351135.3, NM_001351138.2); c.1227-1G>C (NM_001131023.2); c.1173-1G>C (NM_001351136.2); c.1158-1G>C (NM_000319.5).
Identifiers: ClinVar variation 4294489 (VCV004294489.1).